The following is an entry in ClinVar:

ClinVar aggregate classification (germline): Benign. Review status: criteria provided, multiple submitters, no conflicts (2 of 4 stars). 4 submissions from 4 submitters: Benign (4). Last evaluated 2024-07-15.

Conditions:
Progressive myoclonic epilepsy type 3. Also called: EPILEPSY, PROGRESSIVE MYOCLONIC, 3, WITH OR WITHOUT INTRACELLULAR INCLUSIONS; CEROID LIPOFUSCINOSIS, NEURONAL, 14; EPILEPSY, PROGRESSIVE MYOCLONIC, 3, WITHOUT INTRACELLULAR INCLUSIONS; KCTD7-Related Progressive Myoclonic Epilepsy. Identifiers: Orphanet 263516, MedGen C2673257, MONDO:0012721, OMIM 611726.

Allele frequency attached by ClinVar (database versions not stated): ExAC 0.42346; gnomAD exomes 0.42949; 1000 Genomes Project 0.45727; 1000 Genomes Project 30x 0.46783; gnomAD 0.50683 and 0.51674; TOPMed 0.51819; ESP Exome Variant Server 0.57960.
gnomAD v4.1: 688,854 of 1,475,286 alleles (47%); highest among the groups gnomAD compares: African/African-American, 66%; 165,115 homozygotes.

Submissions (4):

Unidad de Genómica Garrahan, Hospital de Pediatría Garrahan
Classification: Benign. Last evaluated: 2024-07-15. Review status: criteria provided, single submitter. Criteria: ACMG Guidelines, 2015. Collection method: clinical testing. Allele origin: germline. Affected: no. Observed: 63 variant alleles.
Comment: This variant is classified as Benign based on local population frequency. This variant was detected in 68% of patients studied in a panel designed for Epileptic and Developmental Encephalopathy and Progressive Myoclonus Epilepsy. Number of patients: 63. Only high quality variants are reported.

Illumina Laboratory Services, Illumina
Classification: Benign for Progressive myoclonic epilepsy type 3. Last evaluated: 2018-01-12. Review status: criteria provided, single submitter. Criteria: ICSL Variant Classification Criteria 13 December 2019. Collection method: clinical testing. Allele origin: germline.
Comment: This variant was observed in the ICSL laboratory as part of a predisposition screen in an ostensibly healthy population. It had not been previously curated by ICSL or reported in the Human Gene Mutation Database (HGMD: prior to June 1st, 2018), and was therefore a candidate for classification through an automated scoring system. Utilizing variant allele frequency, disease prevalence and penetrance estimates, and inheritance mode, an automated score was calculated to assess if this variant is too frequent to cause the disease. Based on the score and internal cut-off values, a variant classified as benign is not then subjected to further curation. The score for this variant resulted in a classification of benign for this disease.

GeneDx
Classification: Benign. Last evaluated: 2015-03-03. Review status: criteria provided, single submitter. Criteria: GeneDx Variant Classification Process June 2021. Collection method: clinical testing. Allele origin: germline. Affected: yes.

Breakthrough Genomics
Classification: Benign. Review status: criteria provided, single submitter. Criteria: ACMG Guidelines, 2015. Collection method: not provided. Allele origin: germline. Inheritance: Autosomal recessive inheritance. Affected: yes.

NM_153033.5(KCTD7):c.-44C>T

Genes: KCTD7 (potassium channel tetramerization domain containing 7; plus strand), LOC129998533 (ATAC-STARR-seq lymphoblastoid silent region 18210; plus strand). Cytogenetic location: 7q11.21.
Variant type: single nucleotide variant.
Coding change: c.-44C>T on transcript NM_153033.5 (MANE Select); 44 bases upstream of the start codon, C replaced by T.
Molecular consequence: 5 prime UTR variant.
Genome position (GRCh38, 1-based): chr7:66,629,021, C>T. VCF-style: chr7-66629021-C-T. GRCh37 (hg19) VCF-style: chr7-66094008-C-T.
Other names: c.-44C>T (NM_001167961.2).
Identifiers: ClinVar variation 360584 (VCV000360584.10), dbSNP rs35526611, ClinGen allele CA4278133.